The following is an entry in ClinVar:

NM_032043.3(BRIP1):c.628-2A>G

Gene: BRIP1 (BRCA1 interacting DNA helicase 1; minus strand). Cytogenetic location: 17q23.2.
Variant type: single nucleotide variant.
Coding change: c.628-2A>G on transcript NM_032043.3 (MANE Select); the canonical splice acceptor site of the intron before coding-DNA position 628, A replaced by G.
Molecular consequence: splice acceptor variant.
Genome position (GRCh38, 1-based): chr17:61,808,759, T>C on the plus strand (A>G on the coding strand, the complement: BRIP1 is on the minus strand). VCF-style: chr17-61808759-T-C. GRCh37 (hg19) VCF-style: chr17-59886120-T-C.
Identifiers: ClinVar variation 1489728 (VCV001489728.11), dbSNP rs995056553, ClinGen allele CA400485253.

ClinVar aggregate classification (germline): Likely pathogenic. Review status: criteria provided, multiple submitters, no conflicts (2 of 4 stars). 2 submissions from 2 submitters: Likely pathogenic (2). Last evaluated 2023-05-31.

Conditions:
Familial cancer of breast. Also called: BREAST CANCER, FAMILIAL; Hereditary breast cancer; hereditary breast carcinoma. Identifiers: Orphanet 227535, MedGen C0346153, MONDO:0016419, OMIM 114480. Disease mechanism: loss of function.
Fanconi anemia complementation group J. Also called: BRIP1-Related Fanconi Anemia. Identifiers: Orphanet 84, MedGen C1836860, MONDO:0012187, OMIM 609054.

Submissions (2):

Myriad Genetics, Inc.
Classification: Likely pathogenic for Familial cancer of breast. Last evaluated: 2023-05-31. Review status: criteria provided, single submitter. Criteria: Myriad Autosomal Dominant, Autosomal Recessive and X-Linked Classification Criteria (2023). Collection method: clinical testing. Allele origin: unknown.
Comment: This variant is considered likely pathogenic. This variant occurs within a consensus splice junction and is predicted to result in abnormal mRNA splicing of either an out-of-frame exon or an in-frame exon necessary for protein stability and/or normal function.

Labcorp Genetics (formerly Invitae), Labcorp
Classification: Likely pathogenic for Familial cancer of breast; Fanconi anemia complementation group J. Last evaluated: 2020-12-19. Review status: criteria provided, single submitter. Criteria: Invitae Variant Classification Sherloc (09022015). Collection method: clinical testing. Allele origin: germline.
Comment: In summary, the currently available evidence indicates that the variant is pathogenic, but additional data are needed to prove that conclusively. Therefore, this variant has been classified as Likely Pathogenic. Algorithms developed to predict the effect of sequence changes on RNA splicing suggest that this variant may disrupt the consensus splice site, but this prediction has not been confirmed by published transcriptional studies. This variant has not been reported in the literature in individuals with BRIP1-related conditions. This variant is not present in population databases (ExAC no frequency). This sequence change affects an acceptor splice site in intron 6 of the BRIP1 gene. It is expected to disrupt RNA splicing. Variants that disrupt the donor or acceptor splice site typically lead to a loss of protein function (PMID: 16199547), and loss-of-function variants in BRIP1 are known to be pathogenic (PMID: 16116423, 17033622, 21964575).

Literature cited by the submitters: PubMed 16199547 (cited by Labcorp Genetics (formerly Invitae), Labcorp); PubMed 16116423 (cited by Labcorp Genetics (formerly Invitae), Labcorp); PubMed 17033622 (cited by Labcorp Genetics (formerly Invitae), Labcorp); PubMed 21964575 (cited by Labcorp Genetics (formerly Invitae), Labcorp).